The following is an entry in ClinVar:

ClinVar aggregate classification (germline): Uncertain significance (1 of 4 stars; one submission).

Allele frequency attached by ClinVar (database versions not stated): gnomAD exomes below 0.00001; ExAC 0.00001.
gnomAD v4.1: 1 of 1,610,002 alleles (0.000062%); highest among the groups gnomAD compares: Non-Finnish European, 0.000085%; no homozygotes.

Submission:

GeneDx
Classification: Uncertain significance. Last evaluated: 2023-04-06. Review status: criteria provided, single submitter. Criteria: GeneDx Variant Classification Process June 2021. Collection method: clinical testing. Allele origin: germline. Affected: yes.
Comment: In silico analysis supports that this missense variant has a deleterious effect on protein structure/function; Has not been previously published as pathogenic or benign to our knowledge

NM_003482.4(KMT2D):c.4165G>T (p.Gly1389Trp)

Gene: KMT2D (lysine methyltransferase 2D; minus strand). Cytogenetic location: 12q13.12.
Variant type: single nucleotide variant.
Coding change: c.4165G>T on transcript NM_003482.4 (MANE Select); coding-DNA position 4165, G replaced by T.
Protein change: p.Gly1389Trp; replaces glycine 1389 with tryptophan.
Molecular consequence: missense variant.
Genome position (GRCh38, 1-based): chr12:49,048,036, C>A on the plus strand (G>T on the coding strand, the complement: KMT2D is on the minus strand). VCF-style: chr12-49048036-C-A. GRCh37 (hg19) VCF-style: chr12-49441819-C-A.
Other names: short protein forms G1389W.
Identifiers: ClinVar variation 2662128 (VCV002662128.1), dbSNP rs770849578, ClinGen allele CA6547877.